The following is an entry in ClinVar:

NM_001084.5(PLOD3):c.615+235del

Gene: PLOD3 (procollagen-lysine,2-oxoglutarate 5-dioxygenase 3; minus strand). Cytogenetic location: 7q22.1.
Variant type: Deletion.
Coding change: c.615+235del on transcript NM_001084.5 (MANE Select); 235 bases into the intron after coding-DNA position 615, one base deleted (A; older notation c.615+235delA).
Molecular consequence: intron variant.
Genome position (GRCh38, 1-based): chr7:101,215,673, T deleted on the plus strand (A on the coding strand, the reverse complement: PLOD3 is on the minus strand); the first of 9 consecutive T bases (chr7:101,215,673-101,215,681); deleting any one gives the same sequence. VCF-style (leftmost placement, unchanged base first): chr7-101215672-CT-C. GRCh37 (hg19) VCF-style: chr7-100858953-CT-C.
Identifiers: ClinVar variation 1706794 (VCV001706794.2), dbSNP rs5886172, ClinGen allele CA163353359.
Genomic context (GRCh38, chr7:101,215,672, plus strand): 5'-AGCCTCCCAAGTAGCTGGGATTACAGGCGTACACCATGAAGCCTGGCTAATTTTTTCTTT[CT>C]TTTTTTTTGTAGAGATGAGGTCTCAACTATGTTGTCCAGGCTGGTCTTAAATTCCTGGAC-3'

ClinVar aggregate classification (germline): Likely benign (1 of 4 stars; one submission).

Submission:

GeneDx
Classification: Likely benign. Last evaluated: 2021-02-19. Review status: criteria provided, single submitter. Criteria: GeneDx Variant Classification Process June 2021. Collection method: clinical testing. Allele origin: germline. Affected: yes.
Comment: See Variant Classification Assertion Criteria.